The following is an entry in ClinVar:

NM_000053.4(ATP7B):c.4299del (p.Thr1434fs)

Gene: ATP7B (ATPase copper transporting beta; minus strand). Cytogenetic location: 13q14.3.
Variant type: Deletion.
Coding change: c.4299del on transcript NM_000053.4 (MANE Select); coding-DNA position 4299, one base deleted (G; older notation c.4299delG).
Protein change: p.Thr1434fs; shifts the reading frame from threonine 1434.
Molecular consequence: frameshift variant.
Genome position (GRCh38, 1-based): chr13:51,934,855, C deleted on the plus strand (G on the coding strand, the reverse complement: ATP7B is on the minus strand). VCF-style (leftmost placement, unchanged base first): chr13-51934854-TC-T. GRCh37 (hg19) VCF-style: chr13-52508990-TC-T.
Other names: c.3678del, p.Thr1227fs (NM_001005918.3); c.3966del, p.Thr1323fs (NM_001243182.2); c.4065del, p.Thr1356fs (NM_001330578.2); c.4047del, p.Thr1350fs (NM_001330579.2); c.4299delG, p.Thr1434Argfs (NM_001406511.1, NM_001406512.1); c.4293delG, p.Thr1432Argfs (NM_001406513.1); c.4266delG, p.Thr1423Argfs (NM_001406514.1); c.4245delG, p.Thr1416Argfs (NM_001406515.1, NM_001406516.1); and 23 more; short protein forms T1323fs, T1356fs, T1350fs, T1434fs, T1227fs.
Identifiers: ClinVar variation 2166696 (VCV002166696.4), dbSNP rs2547541005, ClinGen allele CA2580087655.

ClinVar aggregate classification (germline): Pathogenic (1 of 4 stars; one submission).

Conditions:
Wilson disease (WND). Also called: Wilson's disease. Identifiers: Orphanet 905, MedGen C0019202, MONDO:0010200, OMIM 277900. Disease mechanism: loss of function.

Submission:

Labcorp Genetics (formerly Invitae), Labcorp
Classification: Pathogenic for Wilson disease. Last evaluated: 2022-10-28. Review status: criteria provided, single submitter. Criteria: Invitae Variant Classification Sherloc (09022015). Collection method: clinical testing. Allele origin: germline.
Comment: For these reasons, this variant has been classified as Pathogenic. This variant disrupts a region of the ATP7B protein in which other variant(s) (p.Arg1459Glyfs*2) have been determined to be pathogenic (PMID: 26799313). This suggests that this is a clinically significant region of the protein, and that variants that disrupt it are likely to be disease-causing. This variant has not been reported in the literature in individuals affected with ATP7B-related conditions. This variant is not present in population databases (gnomAD no frequency). This sequence change creates a premature translational stop signal (p.Thr1434Argfs*23) in the ATP7B gene. While this is not anticipated to result in nonsense mediated decay, it is expected to disrupt the last 32 amino acid(s) of the ATP7B protein.

Literature cited by the submitters: PubMed 26799313.